The following is an entry in ClinVar:

NM_000051.4(ATM):c.3802G>A (p.Val1268Met)

Gene: ATM (ATM serine/threonine kinase; plus strand). Cytogenetic location: 11q22.3.
Variant type: single nucleotide variant.
Coding change: c.3802G>A on transcript NM_000051.4 (MANE Select); coding-DNA position 3802, G replaced by A.
Protein change: p.Val1268Met; replaces valine 1268 with methionine.
Molecular consequence: missense variant.
Genome position (GRCh38, 1-based): chr11:108,284,282, G>A. VCF-style: chr11-108284282-G-A. GRCh37 (hg19) VCF-style: chr11-108155009-G-A.
Other names: c.3802G>A, p.Val1268Met (NM_001351834.2); short protein forms V1268M.
Identifiers: ClinVar variation 216204 (VCV000216204.36), dbSNP rs863224564, ClinGen allele CA336505.

ClinVar aggregate classification (germline): Uncertain significance. Review status: criteria provided, multiple submitters, no conflicts (2 of 4 stars). 9 submissions from 9 submitters: Uncertain significance (7). 2 of the submissions do not count toward it. Last evaluated 2026-06-12.

Conditions:
ATM-related disorder. Also called: ATM-related disorders; ATM-related condition.
Hereditary cancer-predisposing syndrome. Also called: Neoplastic Syndromes, Hereditary; Tumor predisposition; Hereditary Cancer Syndrome; Hereditary neoplastic syndrome. Identifiers: Orphanet 140162, MedGen C0027672, MeSH D009386, MONDO:0015356.
Ataxia-telangiectasia syndrome (AT). Also called: Cerebello-oculocutaneous telangiectasia; Immunodeficiency with ataxia telangiectasia; ATAXIA-TELANGIECTASIA, COMPLEMENTATION GROUP A; ATAXIA-TELANGIECTASIA, FRESNO VARIANT; Ataxia-telangiectasia; Ataxia-telangiectasia, complementation group E. Identifiers: Orphanet 100, MedGen C0004135, MONDO:0008840, OMIM 208900.
Familial cancer of breast. Also called: hereditary breast carcinoma; BREAST CANCER, FAMILIAL; Hereditary breast cancer. Identifiers: Orphanet 227535, MedGen C0346153, MONDO:0016419, OMIM 114480. Disease mechanism: loss of function.

Allele frequency attached by ClinVar (database versions not stated): gnomAD exomes below 0.00001; gnomAD 0.00001.
gnomAD v4.1: 5 of 1,613,174 alleles (0.00031%); highest among the groups gnomAD compares: Non-Finnish European, 0.00042%; no homozygotes.

Submissions (9):

PreventionGenetics, part of Exact Sciences
Classification: Uncertain significance for ATM-related condition. Last evaluated: 2026-06-12. Review status: criteria provided, single submitter. Criteria: ACMG Guidelines, 2015. Collection method: clinical testing. Allele origin: germline.
Comment: The ATM c.3802G>A variant is predicted to result in the amino acid substitution p.Val1268Met. To our knowledge, this variant has not been reported in the literature. This variant is reported in 0.00088% of alleles in individuals of European (Non-Finnish) descent in gnomAD and is classified as uncertain in ClinVar (Variation ID: 216204). At this time, the clinical significance of this variant is uncertain due to the absence of conclusive functional and genetic evidence.

Labcorp Genetics (formerly Invitae), Labcorp
Classification: Uncertain significance for Ataxia-telangiectasia syndrome. Last evaluated: 2025-07-17. Review status: criteria provided, single submitter. Criteria: Invitae Variant Classification Sherloc (09022015). Collection method: clinical testing. Allele origin: germline.
Comment: This sequence change replaces valine, which is neutral and non-polar, with methionine, which is neutral and non-polar, at codon 1268 of the ATM protein (p.Val1268Met). This variant is present in population databases (no rsID available, gnomAD 0.002%). This variant has not been reported in the literature in individuals affected with ATM-related conditions. ClinVar contains an entry for this variant (Variation ID: 216204). Invitae Evidence Modeling of protein sequence and biophysical properties (such as structural, functional, and spatial information, amino acid conservation, physicochemical variation, residue mobility, and thermodynamic stability) has been performed for this missense variant. However, the output from this modeling did not meet the statistical confidence thresholds required to predict the impact of this variant on ATM protein function. In summary, the available evidence is currently insufficient to determine the role of this variant in disease. Therefore, it has been classified as a Variant of Uncertain Significance.

Ambry Genetics
Classification: Uncertain significance for Hereditary cancer-predisposing syndrome. Last evaluated: 2024-11-18. Review status: criteria provided, single submitter. Criteria: Ambry Variant Classification Scheme 2023. Collection method: clinical testing. Allele origin: germline.
Comment: The p.V1268M variant (also known as c.3802G>A), located in coding exon 25 of the ATM gene, results from a G to A substitution at nucleotide position 3802. The valine at codon 1268 is replaced by methionine, an amino acid with highly similar properties. This amino acid position is highly conserved in available vertebrate species. In addition, the in silico prediction for this alteration is inconclusive. Based on the available evidence, the clinical significance of this variant remains unclear.

Color Diagnostics, LLC DBA Color Health
Classification: Uncertain significance for Hereditary cancer-predisposing syndrome. Last evaluated: 2024-02-05. Review status: criteria provided, single submitter. Criteria: ACMG Guidelines, 2015. Collection method: clinical testing. Allele origin: germline.
Comment: This missense variant replaces valine with methionine at codon 1268 of the ATM protein. Computational prediction suggests that this variant may not impact protein structure and function. To our knowledge, functional studies have not been reported for this variant. This variant has not been reported in individuals affected with hereditary cancer in the literature. This variant has been identified in 1/251174 chromosomes in the general population by the Genome Aggregation Database (gnomAD). The available evidence is insufficient to determine the role of this variant in disease conclusively. Therefore, this variant is classified as a Variant of Uncertain Significance.

Baylor Genetics
Classification: Uncertain significance for Familial cancer of breast. Last evaluated: 2023-12-22. Review status: criteria provided, single submitter. Criteria: ACMG Guidelines, 2015. Collection method: clinical testing. Allele origin: unknown.

GeneDx
Classification: Uncertain significance. Last evaluated: 2019-07-17. Review status: criteria provided, single submitter. Criteria: GeneDx Variant Classification Process June 2021. Collection method: clinical testing. Allele origin: germline. Affected: yes.
Comment: Not observed at a significant frequency in large population cohorts (Lek et al., 2016); In silico analysis, which includes protein predictors and evolutionary conservation, supports that this variant does not alter protein structure/function; Has not been previously published as pathogenic or benign to our knowledge

Genetic Services Laboratory, University of Chicago
Classification: Uncertain significance. Last evaluated: 2019-07-01. Review status: criteria provided, single submitter. Criteria: ACMG Guidelines, 2015. Collection method: clinical testing. Allele origin: germline. Affected: no.

Natera, Inc.
Classification: Uncertain significance for Ataxia-telangiectasia. Last evaluated: 2020-11-09. Review status: no assertion criteria provided. Collection method: clinical testing. Allele origin: germline. Not counted in ClinVar's aggregate classification.

Counsyl
Classification: Uncertain significance for Ataxia-telangiectasia syndrome. Last evaluated: 2018-04-12. Review status: no assertion criteria provided. Collection method: clinical testing. Allele origin: unknown. Not counted in ClinVar's aggregate classification.